The following is an entry in ClinVar:

NM_001376.5(DYNC1H1):c.10016G>A (p.Arg3339His)

Gene: DYNC1H1 (dynein cytoplasmic 1 heavy chain 1; plus strand). Cytogenetic location: 14q32.31.
Variant type: single nucleotide variant.
Coding change: c.10016G>A on transcript NM_001376.5 (MANE Select); coding-DNA position 10016, G replaced by A.
Protein change: p.Arg3339His; replaces arginine 3339 with histidine.
Molecular consequence: missense variant.
Genome position (GRCh38, 1-based): chr14:102,032,404, G>A. VCF-style: chr14-102032404-G-A. GRCh37 (hg19) VCF-style: chr14-102498741-G-A.
Other names: c.10016G>A (NM_001376.4); short protein forms R3339H.
Identifiers: ClinVar variation 1298386 (VCV001298386.45), dbSNP rs2152591288, ClinGen allele CA391020851.

ClinVar aggregate classification (germline): Conflicting classifications of pathogenicity. Review status: criteria provided, conflicting classifications (1 of 4 stars). 6 submissions from 6 submitters: Pathogenic (2); Likely pathogenic (3); Uncertain significance (1). Last evaluated 2025-03-15.

Conditions:
Cortical dysplasia, complex, with other brain malformations 13. Also called: Intellectual disability, autosomal dominant 13. Identifiers: MedGen C3281202, MONDO:0013805, OMIM 614563.
Charcot-Marie-Tooth disease axonal type 2O. Also called: CHARCOT-MARIE-TOOTH NEUROPATHY, AXONAL, TYPE 2O; CHARCOT-MARIE-TOOTH DISEASE, AXONAL, AUTOSOMAL DOMINANT, TYPE 2O; Charcot-Marie-Tooth Neuropathy Type 2O; Charcot-Marie-Tooth disease, axonal, type 20. Identifiers: Orphanet 284232, MedGen C3280220, MONDO:0013644, OMIM 614228.

Submissions (6):

3billion
Classification: Likely pathogenic for Cortical dysplasia, complex, with other brain malformations 13. Last evaluated: 2025-03-15. Review status: criteria provided, single submitter. Criteria: ACMG Guidelines, 2015. Collection method: clinical testing. Allele origin: germline. Affected: yes.

GeneDx
Classification: Pathogenic. Last evaluated: 2023-06-21. Review status: criteria provided, single submitter. Criteria: GeneDx Variant Classification Process June 2021. Collection method: clinical testing. Allele origin: germline. Affected: yes.
Comment: Not observed at significant frequency in large population cohorts (gnomAD); In silico analysis supports that this missense variant has a deleterious effect on protein structure/function; Has not been previously published as pathogenic or benign to our knowledge; This variant is associated with the following publications: (PMID: 25512093, 26100331, 25609763)

Labcorp Genetics (formerly Invitae), Labcorp
Classification: Pathogenic for Charcot-Marie-Tooth disease axonal type 2O. Last evaluated: 2023-01-04. Review status: criteria provided, single submitter. Criteria: Invitae Variant Classification Sherloc (09022015). Collection method: clinical testing. Allele origin: germline.
Comment: This missense change has been observed in individual(s) with clinical features of DYNC1H1-related intellectual disability (Invitae). In at least one individual the variant was observed to be de novo. This variant is not present in population databases (gnomAD no frequency). This sequence change replaces arginine, which is basic and polar, with histidine, which is basic and polar, at codon 3339 of the DYNC1H1 protein (p.Arg3339His). ClinVar contains an entry for this variant (Variation ID: 1298386). For these reasons, this variant has been classified as Pathogenic. Advanced modeling of protein sequence and biophysical properties (such as structural, functional, and spatial information, amino acid conservation, physicochemical variation, residue mobility, and thermodynamic stability) performed at Invitae indicates that this missense variant is expected to disrupt DYNC1H1 protein function.

Blueprint Genetics
Classification: Uncertain significance. Last evaluated: 2022-10-18. Review status: criteria provided, single submitter. Criteria: ACMG Guidelines, 2015. Collection method: clinical testing. Allele origin: germline.

CeGaT Center for Human Genetics Tuebingen
Classification: Likely pathogenic. Last evaluated: 2021-12-01. Review status: criteria provided, single submitter. Criteria: CeGaT Center For Human Genetics Tuebingen Variant Classification Criteria Version 2. Collection method: clinical testing. Allele origin: germline. Affected: yes. Observed: 1 variant allele.

MVZ Martinsried, Medicover Genetics
Classification: Likely pathogenic for Cortical dysplasia, complex, with other brain malformations 13. Last evaluated: 2021-09-22. Review status: criteria provided, single submitter. Criteria: ACGS Guidelines, 2020. Collection method: clinical testing. Allele origin: unknown. Affected: yes.